The following is an entry in ClinVar:

ClinVar aggregate classification (germline): Uncertain significance (1 of 4 stars; one submission).

gnomAD v4.1: 12 of 1,614,188 alleles (0.00074%); highest among the groups gnomAD compares: Non-Finnish European, 0.001%; no homozygotes.

Submission:

Labcorp Genetics (formerly Invitae), Labcorp
Classification: Uncertain significance. Last evaluated: 2024-07-19. Review status: criteria provided, single submitter. Criteria: Invitae Variant Classification Sherloc (09022015). Collection method: clinical testing. Allele origin: germline.
Comment: This sequence change replaces serine, which is neutral and polar, with tyrosine, which is neutral and polar, at codon 481 of the BACH2 protein (p.Ser481Tyr). This variant is present in population databases (no rsID available, gnomAD 0.0009%). This variant has not been reported in the literature in individuals affected with BACH2-related conditions. Advanced modeling of protein sequence and biophysical properties (such as structural, functional, and spatial information, amino acid conservation, physicochemical variation, residue mobility, and thermodynamic stability) performed at Invitae indicates that this missense variant is not expected to disrupt BACH2 protein function with a negative predictive value of 80%. In summary, the available evidence is currently insufficient to determine the role of this variant in disease. Therefore, it has been classified as a Variant of Uncertain Significance.

NM_021813.4(BACH2):c.1442C>A (p.Ser481Tyr)

Gene: BACH2 (BTB domain and CNC homolog 2; minus strand). Cytogenetic location: 6q15.
Variant type: single nucleotide variant.
Coding change: c.1442C>A on transcript NM_021813.4 (MANE Select); coding-DNA position 1442, C replaced by A.
Protein change: p.Ser481Tyr; replaces serine 481 with tyrosine.
Molecular consequence: missense variant.
Genome position (GRCh38, 1-based): chr6:89,950,664, G>T on the plus strand (C>A on the coding strand, the complement: BACH2 is on the minus strand). VCF-style: chr6-89950664-G-T. GRCh37 (hg19) VCF-style: chr6-90660383-G-T.
Other names: c.1442C>A, p.Ser481Tyr (NM_001170794.2); short protein forms S481Y.
Identifiers: ClinVar variation 3655055 (VCV003655055.1).